The following is an entry in ClinVar:

ClinVar aggregate classification (germline): Pathogenic (1 of 4 stars; one submission).

Conditions:
Sulfite oxidase deficiency due to molybdenum cofactor deficiency type A. Also called: Molybdenum cofactor deficiency, complementation group A; Molybdenum Cofactor Deficiency A. Identifiers: Orphanet 308386, Orphanet 833, MedGen C1854988, MONDO:0009643, OMIM 252150.

Submission:

Labcorp Genetics (formerly Invitae), Labcorp
Classification: Pathogenic for Sulfite oxidase deficiency due to molybdenum cofactor deficiency type A. Last evaluated: 2025-07-27. Review status: criteria provided, single submitter. Criteria: Invitae Variant Classification Sherloc (09022015). Collection method: clinical testing. Allele origin: germline.
Comment: This sequence change creates a premature translational stop signal (p.Arg353Glufs*23) in the MOCS1 gene. While this is not anticipated to result in nonsense mediated decay, it is expected to disrupt the last 284 amino acid(s) of the MOCS1 protein. This variant is not present in population databases (gnomAD no frequency). This variant has not been reported in the literature in individuals affected with MOCS1-related conditions. This variant disrupts a region of the MOCS1 protein in which other variant(s) (p.Glu503Alafs*103) have been determined to be pathogenic (PMID: 9731530, 9921896). This suggests that this is a clinically significant region of the protein, and that variants that disrupt it are likely to be disease-causing. For these reasons, this variant has been classified as Pathogenic.

Literature cited by the submitters: PubMed 9731530; PubMed 9921896.

NM_001358530.2(MOCS1):c.1057del (p.Arg353fs)

Gene: MOCS1 (molybdenum cofactor synthesis 1; minus strand). Cytogenetic location: 6p21.2.
Variant type: Deletion.
Coding change: c.1057del on transcript NM_001358530.2 (MANE Select); coding-DNA position 1057, one base deleted (A; older notation c.1057delA).
Protein change: p.Arg353fs; shifts the reading frame from arginine 353.
Molecular consequence: frameshift variant. On other transcripts: non-coding transcript variant (1).
Genome position (GRCh38, 1-based): chr6:39,909,880, T deleted on the plus strand (A on the coding strand, the reverse complement: MOCS1 is on the minus strand). VCF-style (leftmost placement, unchanged base first): chr6-39909879-CT-C. GRCh37 (hg19) VCF-style: chr6-39877623-CT-C.
Other names: c.1057del, p.Arg353fs (NM_001075098.4, NM_001358529.2, NM_005943.6); c.796del, p.Arg266fs (NM_001358531.2, NM_001358533.2, NM_001358534.2); short protein forms R266fs, R353fs.
Identifiers: ClinVar variation 4724059 (VCV004724059.1).